The following is an entry in ClinVar:

NM_000111.3(SLC26A3):c.314G>C (p.Gly105Ala)

Gene: SLC26A3 (solute carrier family 26 member 3; minus strand). Cytogenetic location: 7q22.3.
Variant type: single nucleotide variant.
Coding change: c.314G>C on transcript NM_000111.3 (MANE Select); coding-DNA position 314, G replaced by C.
Protein change: p.Gly105Ala; replaces glycine 105 with alanine.
Molecular consequence: missense variant.
Genome position (GRCh38, 1-based): chr7:107,791,898, C>G on the plus strand (G>C on the coding strand, the complement: SLC26A3 is on the minus strand). VCF-style: chr7-107791898-C-G. GRCh37 (hg19) VCF-style: chr7-107432343-C-G.
Other names: short protein forms G105A.
Identifiers: ClinVar variation 2695699 (VCV002695699.3), dbSNP rs2535474746, ClinGen allele CA368853953.

ClinVar aggregate classification (germline): Uncertain significance (1 of 4 stars; one submission).

Submission:

Labcorp Genetics (formerly Invitae), Labcorp
Classification: Uncertain significance. Last evaluated: 2024-02-26. Review status: criteria provided, single submitter. Criteria: Invitae Variant Classification Sherloc (09022015). Collection method: clinical testing. Allele origin: germline.
Comment: This sequence change replaces glycine, which is neutral and non-polar, with alanine, which is neutral and non-polar, at codon 105 of the SLC26A3 protein (p.Gly105Ala). This variant is not present in population databases (gnomAD no frequency). This variant has not been reported in the literature in individuals affected with SLC26A3-related conditions. Advanced modeling of protein sequence and biophysical properties (such as structural, functional, and spatial information, amino acid conservation, physicochemical variation, residue mobility, and thermodynamic stability) performed at Invitae indicates that this missense variant is expected to disrupt SLC26A3 protein function with a positive predictive value of 80%. In summary, the available evidence is currently insufficient to determine the role of this variant in disease. Therefore, it has been classified as a Variant of Uncertain Significance.